The following is an entry in ClinVar:

NM_000256.3(MYBPC3):c.554del (p.Lys185fs)

Gene: MYBPC3 (myosin binding protein C3; minus strand). Cytogenetic location: 11p11.2.
Variant type: Deletion.
Coding change: c.554del on transcript NM_000256.3 (MANE Select); coding-DNA position 554, one base deleted (A; older notation c.554delA).
Protein change: p.Lys185fs; shifts the reading frame from lysine 185.
Molecular consequence: frameshift variant.
Genome position (GRCh38, 1-based): chr11:47,349,874, T deleted on the plus strand (A on the coding strand, the reverse complement: MYBPC3 is on the minus strand); the first of 2 consecutive T bases (chr11:47,349,874-47,349,875); deleting either gives the same sequence. VCF-style (leftmost placement, unchanged base first): chr11-47349873-CT-C. GRCh37 (hg19) VCF-style: chr11-47371424-CT-C.
Other names: short protein forms K185fs.
Identifiers: ClinVar variation 969161 (VCV000969161.7), dbSNP rs2095898569, ClinGen allele CA645578329.

ClinVar aggregate classification (germline): Pathogenic (1 of 4 stars; one submission).

Conditions:
Hypertrophic cardiomyopathy. Also called: HYPERTROPHIC MYOCARDIOPATHY. Identifiers: Orphanet 217569, MedGen C0007194, MeSH D002312, MONDO:0005045, HP:0001639.

Submission:

Labcorp Genetics (formerly Invitae), Labcorp
Classification: Pathogenic for Hypertrophic cardiomyopathy. Last evaluated: 2019-09-28. Review status: criteria provided, single submitter. Criteria: Invitae Variant Classification Sherloc (09022015). Collection method: clinical testing. Allele origin: germline.
Comment: For these reasons, this variant has been classified as Pathogenic. Loss-of-function variants in MYBPC3 are known to be pathogenic (PMID: 19574547). This variant has not been reported in the literature in individuals with MYBPC3-related conditions. This variant is not present in population databases (ExAC no frequency). This sequence change creates a premature translational stop signal (p.Lys185Serfs*15) in the MYBPC3 gene. It is expected to result in an absent or disrupted protein product.

Literature cited by the submitters: PubMed 19574547.